The following is an entry in ClinVar:

ClinVar aggregate classification (germline): Uncertain significance. Review status: criteria provided, single submitter (1 of 4 stars). 2 submissions from 2 submitters: Uncertain significance (1). 1 of the submissions does not count toward it. Last evaluated 2024-05-17.

Conditions:
Usher syndrome type 1B (USH1B). Also called: Usher syndrome type IB. Identifiers: MedGen C1848638, MONDO:0700087.

Allele frequency attached by ClinVar (database versions not stated): gnomAD exomes 0.00001; TOPMed 0.00001; gnomAD 0.00002 and 0.00003.
gnomAD v4.1: 8 of 1,597,298 alleles (0.0005%); highest among the groups gnomAD compares: Admixed American, 0.0052%; no homozygotes.

Submissions (2):

Labcorp Genetics (formerly Invitae), Labcorp
Classification: Uncertain significance. Last evaluated: 2024-05-17. Review status: criteria provided, single submitter. Criteria: Invitae Variant Classification Sherloc (09022015). Collection method: clinical testing. Allele origin: germline.
Comment: This sequence change replaces alanine, which is neutral and non-polar, with threonine, which is neutral and polar, at codon 1277 of the MYO7A protein (p.Ala1277Thr). This variant is not present in population databases (gnomAD no frequency). This variant has not been reported in the literature in individuals affected with MYO7A-related conditions. ClinVar contains an entry for this variant (Variation ID: 1063564). Advanced modeling of protein sequence and biophysical properties (such as structural, functional, and spatial information, amino acid conservation, physicochemical variation, residue mobility, and thermodynamic stability) has been performed at Invitae for this missense variant, however the output from this modeling did not meet the statistical confidence thresholds required to predict the impact of this variant on MYO7A protein function. In summary, the available evidence is currently insufficient to determine the role of this variant in disease. Therefore, it has been classified as a Variant of Uncertain Significance.

Natera, Inc.
Classification: Uncertain significance for Usher syndrome type 1B. Last evaluated: 2020-12-08. Review status: no assertion criteria provided. Collection method: clinical testing. Allele origin: germline. Not counted in ClinVar's aggregate classification.

NM_000260.4(MYO7A):c.3829G>A (p.Ala1277Thr)

Gene: MYO7A (myosin VIIA; plus strand). Cytogenetic location: 11q13.5.
Variant type: single nucleotide variant.
Coding change: c.3829G>A on transcript NM_000260.4 (MANE Select); coding-DNA position 3829, G replaced by A.
Protein change: p.Ala1277Thr; replaces alanine 1277 with threonine.
Molecular consequence: missense variant.
Genome position (GRCh38, 1-based): chr11:77,190,775, G>A. VCF-style: chr11-77190775-G-A. GRCh37 (hg19) VCF-style: chr11-76901820-G-A.
Other names: c.3829G>A, p.Ala1277Thr (NM_001127180.2); c.3796G>A, p.Ala1266Thr (NM_001369365.1); short protein forms A1266T, A1277T.
Identifiers: ClinVar variation 1063564 (VCV001063564.9), dbSNP rs1956002675, ClinGen allele CA381947628.